The following is an entry in ClinVar:

NM_000254.3(MTR):c.1067T>C (p.Leu356Ser)

Gene: MTR (5-methyltetrahydrofolate-homocysteine methyltransferase; plus strand). Cytogenetic location: 1q43.
Variant type: single nucleotide variant.
Coding change: c.1067T>C on transcript NM_000254.3 (MANE Select); coding-DNA position 1067, T replaced by C.
Protein change: p.Leu356Ser; replaces leucine 356 with serine.
Molecular consequence: missense variant. On other transcripts: 5 prime UTR variant (1).
Genome position (GRCh38, 1-based): chr1:236,829,260, T>C. VCF-style: chr1-236829260-T-C. GRCh37 (hg19) VCF-style: chr1-236992560-T-C.
Other names: c.1067T>C, p.Leu356Ser (NM_001291939.1); c.-42T>C (NM_001291940.2); short protein forms L356S.
Identifiers: ClinVar variation 534572 (VCV000534572.6), dbSNP rs1286773616, ClinGen allele CA345391867.
Genomic context (GRCh38, chr1:236,829,260, plus strand): 5'-AAGCTGTGAAAAATTGTAAGCCTAGAGTTCCACCTGCCACTGCTTTTGAAGGACATATGT[T>C]ACTGTCTGGTGAGTCATAAAGACCTGGTATTCCTGATTGCAGAAACCATTTGTGGAGTGT-3'
Protein context (NP_000245.2, residues 346-366): PPATAFEGHM[Leu356Ser]LSGLEPFRIG

ClinVar aggregate classification (germline): Uncertain significance (1 of 4 stars; one submission).

Conditions:
Methylcobalamin deficiency type cblG (HMAG). Also called: HOMOCYSTINURIA-MEGALOBLASTIC ANEMIA, cblG COMPLEMENTATION TYPE; Functional methionine synthase deficiency type cblG; HOMOCYSTINURIA-MEGALOBLASTIC ANEMIA, cblG TYPE; HOMOCYSTINURIA-MEGALOBLASTIC ANEMIA DUE TO DEFECT IN COBALAMIN METABOLISM, cblG COMPLEMENTATION TYPE. Identifiers: Orphanet 2170, Orphanet 622, MedGen C1855128, MONDO:0009609, OMIM 250940.

Allele frequency attached by ClinVar (database versions not stated): gnomAD exomes 0.00001 and 0.00002; TOPMed 0.00001.
gnomAD v4.1: 7 of 1,612,620 alleles (0.00043%); highest among the groups gnomAD compares: East Asian, 0.016%; no homozygotes.

Submission:

Labcorp Genetics (formerly Invitae), Labcorp
Classification: Uncertain significance for Methylcobalamin deficiency type cblG. Last evaluated: 2021-08-31. Review status: criteria provided, single submitter. Criteria: Invitae Variant Classification Sherloc (09022015). Collection method: clinical testing. Allele origin: germline.
Comment: This sequence change replaces leucine with serine at codon 356 of the MTR protein (p.Leu356Ser). The leucine residue is highly conserved and there is a large physicochemical difference between leucine and serine. This variant is not present in population databases (ExAC no frequency). This variant has not been reported in the literature in individuals affected with MTR-related conditions. Algorithms developed to predict the effect of missense changes on protein structure and function are either unavailable or do not agree on the potential impact of this missense change (SIFT: "Deleterious"; PolyPhen-2: "Benign"; Align-GVGD: "Class C0"). In summary, the available evidence is currently insufficient to determine the role of this variant in disease. Therefore, it has been classified as a Variant of Uncertain Significance.